The following is an entry in ClinVar:

NM_201384.3(PLEC):c.12876G>A (p.Val4292=)

Gene: PLEC (plectin; minus strand). Cytogenetic location: 8q24.3.
Variant type: single nucleotide variant.
Coding change: c.12876G>A on transcript NM_201384.3 (MANE Select); coding-DNA position 12876, G replaced by A.
Protein change: p.Val4292=; no amino-acid change (valine 4292 retained).
Molecular consequence: synonymous variant.
Genome position (GRCh38, 1-based): chr8:143,916,945, C>T on the plus strand (G>A on the coding strand, the complement: PLEC is on the minus strand). VCF-style: chr8-143916945-C-T. GRCh37 (hg19) VCF-style: chr8-144991113-C-T.
Other names: p.Val4319=; c.12957G>A, p.Val4319= (NM_000445.5); c.12834G>A, p.Val4278= (NM_201378.4); c.12810G>A, p.Val4270= (NM_201379.3); c.13287G>A, p.Val4429= (NM_201380.4); c.12780G>A, p.Val4260= (NM_201381.3); c.12876G>A, p.Val4292= (NM_201382.4); c.12888G>A, p.Val4296= (NM_201383.3).
Identifiers: ClinVar variation 281281 (VCV000281281.23), dbSNP rs199509259, ClinGen allele CA4923960.

ClinVar aggregate classification (germline): Conflicting classifications of pathogenicity. Review status: criteria provided, conflicting classifications (1 of 4 stars). 6 submissions from 6 submitters: Uncertain significance (1); Benign (1); Likely benign (3). 1 of the submissions does not count toward it. Last evaluated 2026-01-27.

Conditions:
PLEC-related disorder. Also called: PLEC-related condition; PLEC-related disorders.
Autosomal recessive limb-girdle muscular dystrophy type 2Q (LGMDR17). Also called: MUSCULAR DYSTROPHY, LIMB-GIRDLE, AUTOSOMAL RECESSIVE 17. Identifiers: Orphanet 254361, MedGen C3150989, MONDO:0013390, OMIM 613723.
Epidermolysis bullosa simplex 5B, with muscular dystrophy (EBS5B). Also called: EPIDERMOLYSIS BULLOSA SIMPLEX AND LIMB-GIRDLE MUSCULAR DYSTROPHY; Epidermolysis bullosa simplex with muscular dystrophy. Identifiers: Orphanet 257, MedGen C2931072, MONDO:0009181, OMIM 226670.
Epidermolysis bullosa simplex with nail dystrophy (EBS5D). Identifiers: MedGen C4225309, MONDO:0014661, OMIM 616487.
Epidermolysis bullosa simplex 5C, with pyloric atresia (EBS5C). Also called: PLEC-Related Epidermolysis Bullosa with Pyloric Atresia; PLEC1-Related Epidermolysis Bullosa with Pyloric Atresia; Epidermolysis bullosa simplex with pyloric atresia. Identifiers: Orphanet 158684, MedGen C2677349, MONDO:0012807, OMIM 612138.
Epidermolysis bullosa simplex, Ogna type (EBS5A). Also called: Pidermolysis bullosa simplex 5A, Ogna type; EPIDERMOLYSIS BULLOSA SIMPLEX 5A, OGNA TYPE. Identifiers: Orphanet 79401, MedGen C0432317, MONDO:0007555, OMIM 131950.

Allele frequency attached by ClinVar (database versions not stated): gnomAD exomes 0.00012 and 0.00032; ExAC 0.00037; 1000 Genomes Project 0.00100; 1000 Genomes Project 30x 0.00109; gnomAD 0.00119 and 0.00129; ESP Exome Variant Server 0.00127; TOPMed 0.00140.
gnomAD v4.1: 360 of 1,612,848 alleles (0.022%); highest among the groups gnomAD compares: African/African-American, 0.43%; 1 homozygote.

Submissions (6):

Labcorp Genetics (formerly Invitae), Labcorp
Classification: Benign for Autosomal recessive limb-girdle muscular dystrophy type 2Q; Epidermolysis bullosa simplex, Ogna type; Epidermolysis bullosa simplex with nail dystrophy; Epidermolysis bullosa simplex 5C, with pyloric atresia; Epidermolysis bullosa simplex 5B, with muscular dystrophy. Last evaluated: 2026-01-27. Review status: criteria provided, single submitter. Criteria: Invitae Variant Classification Sherloc (09022015). Collection method: clinical testing. Allele origin: germline.

Mayo Clinic Laboratories, Mayo Clinic
Classification: Likely benign. Last evaluated: 2025-06-12. Review status: criteria provided, single submitter. Criteria: ACMG Guidelines, 2015. Collection method: clinical testing. Allele origin: germline. Observed: 1 variant allele.
Comment: BS1, BP4, BP7

Blueprint Genetics
Classification: Likely benign. Last evaluated: 2024-06-04. Review status: criteria provided, single submitter. Criteria: ACMG Guidelines, 2015. Collection method: clinical testing. Allele origin: germline.

GeneDx
Classification: Likely benign. Last evaluated: 2017-12-13. Review status: criteria provided, single submitter. Criteria: GeneDx Variant Classification (06012015). Collection method: clinical testing. Allele origin: germline. Affected: yes.
Comment: This variant is considered likely benign or benign based on one or more of the following criteria: it is a conservative change, it occurs at a poorly conserved position in the protein, it is predicted to be benign by multiple in silico algorithms, and/or has population frequency not consistent with disease.

Eurofins Ntd Llc (ga)
Classification: Uncertain significance. Last evaluated: 2015-07-12. Review status: criteria provided, single submitter. Criteria: EGL Classification Definitions 2015. Collection method: clinical testing. Allele origin: germline. Observed: 2 variant alleles, 2 heterozygotes.

PreventionGenetics, part of Exact Sciences
Classification: Likely benign for PLEC-related condition. Last evaluated: 2019-11-18. Review status: no assertion criteria provided. Collection method: clinical testing. Allele origin: germline. Not counted in ClinVar's aggregate classification.
Comment: This variant is classified as likely benign based on ACMG/AMP sequence variant interpretation guidelines (Richards et al. 2015 PMID: 25741868, with internal and published modifications).